The following is an entry in ClinVar:

ClinVar aggregate classification (germline): Uncertain significance. Review status: criteria provided, multiple submitters, no conflicts (2 of 4 stars). 4 submissions from 4 submitters: Uncertain significance (3). 1 of the submissions does not count toward it. Last evaluated 2022-10-24.

Conditions:
Pontocerebellar hypoplasia type 6 (PCH6). Identifiers: Orphanet 166073, MedGen C1969084, MONDO:0012683, OMIM 611523.

Allele frequency attached by ClinVar (database versions not stated): gnomAD 0.00006 and 0.00007; ESP Exome Variant Server 0.00008; TOPMed 0.00008; 1000 Genomes Project 30x 0.00016; 1000 Genomes Project 0.00020.
gnomAD v4.1: 297 of 1,614,158 alleles (0.018%); highest among the groups gnomAD compares: Non-Finnish European, 0.023%; no homozygotes.

Submissions (4):

Labcorp Genetics (formerly Invitae), Labcorp
Classification: Uncertain significance. Last evaluated: 2022-10-24. Review status: criteria provided, single submitter. Criteria: Invitae Variant Classification Sherloc (09022015). Collection method: clinical testing. Allele origin: germline.
Comment: This sequence change replaces isoleucine, which is neutral and non-polar, with valine, which is neutral and non-polar, at codon 498 of the RARS2 protein (p.Ile498Val). This variant is present in population databases (rs200632524, gnomAD 0.02%). This variant has not been reported in the literature in individuals affected with RARS2-related conditions. ClinVar contains an entry for this variant (Variation ID: 358232). Advanced modeling of protein sequence and biophysical properties (such as structural, functional, and spatial information, amino acid conservation, physicochemical variation, residue mobility, and thermodynamic stability) performed at Invitae indicates that this missense variant is not expected to disrupt RARS2 protein function. In summary, the available evidence is currently insufficient to determine the role of this variant in disease. Therefore, it has been classified as a Variant of Uncertain Significance.

Illumina Laboratory Services, Illumina
Classification: Uncertain significance for Pontocerebellar hypoplasia type 6. Last evaluated: 2018-01-12. Review status: criteria provided, single submitter. Criteria: ICSL Variant Classification Criteria 13 December 2019. Collection method: clinical testing. Allele origin: germline.

ARUP Laboratories, Molecular Genetics and Genomics, ARUP Laboratories
Classification: Uncertain significance. Last evaluated: 2017-04-20. Review status: criteria provided, single submitter. Criteria: ARUP Molecular Germline Variant Investigation Process. Collection method: clinical testing. Allele origin: germline.

Natera, Inc.
Classification: Uncertain significance for Pontocerebellar hypoplasia, type 6. Last evaluated: 2020-02-12. Review status: no assertion criteria provided. Collection method: clinical testing. Allele origin: germline. Not counted in ClinVar's aggregate classification.

NM_020320.5(RARS2):c.1492A>G (p.Ile498Val)

Gene: RARS2 (arginyl-tRNA synthetase 2, mitochondrial; minus strand). Cytogenetic location: 6q15.
Variant type: single nucleotide variant.
Coding change: c.1492A>G on transcript NM_020320.5 (MANE Select); coding-DNA position 1492, A replaced by G.
Protein change: p.Ile498Val; replaces isoleucine 498 with valine.
Molecular consequence: missense variant. On other transcripts: non-coding transcript variant (19).
Genome position (GRCh38, 1-based): chr6:87,518,188, T>C on the plus strand (A>G on the coding strand, the complement: RARS2 is on the minus strand). VCF-style: chr6-87518188-T-C. GRCh37 (hg19) VCF-style: chr6-88227906-T-C.
Other names: c.967A>G, p.Ile323Val (NM_001318785.2, NM_001350506.2, NM_001350507.2 and 4 more transcripts); c.1492A>G, p.Ile498Val (NM_001350505.2); short protein forms I498V, I323V.
Identifiers: ClinVar variation 358232 (VCV000358232.18), dbSNP rs200632524, ClinGen allele CA3916261.